The following is an entry in ClinVar:

ClinVar aggregate classification (germline): Pathogenic (1 of 4 stars; one submission).

Submission:

GeneDx
Classification: Pathogenic. Last evaluated: 2015-12-23. Review status: criteria provided, single submitter. Criteria: GeneDx Variant Classification (06012015). Collection method: clinical testing. Allele origin: germline. Affected: yes.
Comment: This pathogenic variant is predicted to cause loss of normal protein function either through protein truncation or nonsense-mediated mRNA decay. Q157X was not observed in approximately 6,500 individuals of European and African American ancestry in the NHLBI Exome Sequencing Project, indicating it is not a common benign variant in these populations.

NM_000061.3(BTK):c.469C>T (p.Gln157Ter)

Gene: BTK (Bruton tyrosine kinase; minus strand). Cytogenetic location: Xq22.1.
Variant type: single nucleotide variant.
Coding change: c.469C>T on transcript NM_000061.3 (MANE Select); coding-DNA position 469, C replaced by T.
Protein change: p.Gln157Ter; replaces glutamine 157 with a stop codon.
Molecular consequence: nonsense.
Genome position (GRCh38, 1-based): chrX:101,362,612, G>A on the plus strand (C>T on the coding strand, the complement: BTK is on the minus strand). VCF-style: chrX-101362612-G-A. GRCh37 (hg19) VCF-style: chrX-100617600-G-A.
Other names: c.571C>T, p.Gln191Ter (NM_001287344.2); c.469C>T, p.Gln157Ter (NM_001287345.2); short protein forms Q157*, Q191*.
Identifiers: ClinVar variation 280229 (VCV000280229.2), dbSNP rs886041473, ClinGen allele CA10603398.